The following is an entry in ClinVar:

ClinVar aggregate classification (germline): Uncertain significance. Review status: criteria provided, multiple submitters, no conflicts (2 of 4 stars). 2 submissions from 2 submitters: Uncertain significance (2). Last evaluated 2025-03-25.

Conditions:
KBG syndrome (KBGS). Also called: ANKRD11-Related KBG Syndrome. Identifiers: Orphanet 2332, MedGen C0220687, MONDO:0007846, OMIM 148050.

gnomAD v4.1: 2 of 1,614,152 alleles (0.00012%); highest among the groups gnomAD compares: Non-Finnish European, 0.00017%; no homozygotes.

Submissions (2):

Labcorp Genetics (formerly Invitae), Labcorp
Classification: Uncertain significance for KBG syndrome. Last evaluated: 2025-03-25. Review status: criteria provided, single submitter. Criteria: Invitae Variant Classification Sherloc (09022015). Collection method: clinical testing. Allele origin: germline.
Comment: This sequence change replaces aspartic acid, which is acidic and polar, with glutamic acid, which is acidic and polar, at codon 1388 of the ANKRD11 protein (p.Asp1388Glu). This variant is not present in population databases (gnomAD no frequency). This variant has not been reported in the literature in individuals affected with ANKRD11-related conditions. ClinVar contains an entry for this variant (Variation ID: 2577090). Invitae Evidence Modeling of protein sequence and biophysical properties (such as structural, functional, and spatial information, amino acid conservation, physicochemical variation, residue mobility, and thermodynamic stability) indicates that this missense variant is not expected to disrupt ANKRD11 protein function with a negative predictive value of 95%. In summary, the available evidence is currently insufficient to determine the role of this variant in disease. Therefore, it has been classified as a Variant of Uncertain Significance.

Women's Health and Genetics/Laboratory Corporation of America, LabCorp
Classification: Uncertain significance. Last evaluated: 2023-07-21. Review status: criteria provided, single submitter. Criteria: LabCorp Variant Classification Summary - May 2015. Collection method: clinical testing. Allele origin: germline.
Comment: Variant summary: ANKRD11 c.4164C>G (p.Asp1388Glu) results in a conservative amino acid change in the encoded protein sequence. Five of five in-silico tools predict a benign effect of the variant on protein function. The variant was absent in 251258 control chromosomes. The available data on variant occurrences in the general population are insufficient to allow any conclusion about variant significance. To our knowledge, no occurrence of c.4164C>G in individuals affected with KBG Syndrome and no experimental evidence demonstrating its impact on protein function have been reported. No submitters have cited clinical-significance assessments for this variant to ClinVar after 2014. Based on the evidence outlined above, the variant was classified as uncertain significance.

NM_013275.6(ANKRD11):c.4164C>G (p.Asp1388Glu)

Gene: ANKRD11 (ankyrin repeat domain 11; minus strand). Cytogenetic location: 16q24.3.
Variant type: single nucleotide variant.
Coding change: c.4164C>G on transcript NM_013275.6 (MANE Select); coding-DNA position 4164, C replaced by G.
Protein change: p.Asp1388Glu; replaces aspartic acid 1388 with glutamic acid.
Molecular consequence: missense variant.
Genome position (GRCh38, 1-based): chr16:89,282,378, G>C on the plus strand (C>G on the coding strand, the complement: ANKRD11 is on the minus strand). VCF-style: chr16-89282378-G-C. GRCh37 (hg19) VCF-style: chr16-89348786-G-C.
Other names: c.4164C>G, p.Asp1388Glu (NM_001256182.2, NM_001256183.2); short protein forms D1388E.
Identifiers: ClinVar variation 2577090 (VCV002577090.3), dbSNP rs1185105634, ClinGen allele CA397158166.
Genomic context (GRCh38, chr16:89,282,378, plus strand): 5'-CATGTTGTAAGAAACTCCGTAAGCATCCGCCTCCAGGAAGTCCTTTTCGTACTGGCCGGA[G>C]TCCTTCCTGCTACCGCCCTCCTTGTAATCTTCGCCCTTCTCTTTCTTCTCGGCCTTCTCT-3'
Protein context (NP_037407.4, residues 1378-1398): EDYKEGGSRK[Asp1388Glu]SGQYEKDFLE